The following is an entry in ClinVar:

NM_000051.4(ATM):c.4252_4259dup (p.Ala1421fs)

Gene: ATM (ATM serine/threonine kinase; plus strand). Cytogenetic location: 11q22.3.
Variant type: Duplication.
Coding change: c.4252_4259dup on transcript NM_000051.4 (MANE Select); coding-DNA positions 4252 to 4259, 8 bases duplicated (ATTCTTCT; older notation c.4252_4259dupATTCTTCT).
Protein change: p.Ala1421fs; shifts the reading frame from alanine 1421.
Molecular consequence: frameshift variant.
Genome position (GRCh38, 1-based): chr11:108,289,617-108,289,624, ATTCTTCT duplicated. VCF-style (leftmost placement, unchanged base first): chr11-108289616-A-AATTCTTCT. GRCh37 (hg19) VCF-style: chr11-108160343-A-AATTCTTCT.
Other names: c.4252_4259dup, p.Ala1421fs (NM_001351834.2); short protein forms A1421fs.
Identifiers: ClinVar variation 824725 (VCV000824725.10), dbSNP rs1591662606, ClinGen allele CA915944415.

ClinVar aggregate classification (germline): Pathogenic. Review status: criteria provided, multiple submitters, no conflicts (2 of 4 stars). 4 submissions from 4 submitters: Pathogenic (4). Last evaluated 2024-03-21.

Conditions:
Hereditary cancer-predisposing syndrome. Also called: Neoplastic Syndromes, Hereditary; Hereditary Cancer Syndrome; Hereditary neoplastic syndrome; Tumor predisposition. Identifiers: Orphanet 140162, MedGen C0027672, MeSH D009386, MONDO:0015356.
Familial cancer of breast. Also called: hereditary breast carcinoma; BREAST CANCER, FAMILIAL; Hereditary breast cancer. Identifiers: Orphanet 227535, MedGen C0346153, MONDO:0016419, OMIM 114480. Disease mechanism: loss of function.
Ataxia-telangiectasia syndrome (AT). Also called: ATAXIA-TELANGIECTASIA, COMPLEMENTATION GROUP A; ATAXIA-TELANGIECTASIA, FRESNO VARIANT; Ataxia-telangiectasia, complementation group E; Ataxia telangiectasia (A-T); LOUIS-BAR SYNDROME; Cerebello-oculocutaneous telangiectasia. Identifiers: Orphanet 100, MedGen C0004135, MONDO:0008840, OMIM 208900.

Allele frequency attached by ClinVar (database versions not stated): gnomAD 0.00001.

Submissions (4):

Ambry Genetics
Classification: Pathogenic for Hereditary cancer-predisposing syndrome. Last evaluated: 2024-03-21. Review status: criteria provided, single submitter. Criteria: Ambry Variant Classification Scheme 2023. Collection method: clinical testing. Allele origin: germline.
Comment: The c.4252_4259dupATTCTTCT pathogenic mutation, located in coding exon 28 of the ATM gene, results from a duplication of ATTCTTCT at nucleotide position 4252, causing a translational frameshift with a predicted alternate stop codon (p.A1421Ffs*33). This alteration is expected to result in loss of function by premature protein truncation or nonsense-mediated mRNA decay. As such, this alteration is interpreted as a disease-causing mutation.

Myriad Genetics, Inc.
Classification: Pathogenic for Familial cancer of breast. Last evaluated: 2024-01-23. Review status: criteria provided, single submitter. Criteria: Myriad Autosomal Dominant, Autosomal Recessive and X-Linked Classification Criteria (2023). Collection method: clinical testing. Allele origin: unknown.
Comment: This variant is considered pathogenic. This variant creates a frameshift predicted to result in premature protein truncation.

Labcorp Genetics (formerly Invitae), Labcorp
Classification: Pathogenic for Ataxia-telangiectasia syndrome. Last evaluated: 2022-12-22. Review status: criteria provided, single submitter. Criteria: Invitae Variant Classification Sherloc (09022015). Collection method: clinical testing. Allele origin: germline.
Comment: This variant is not present in population databases (gnomAD no frequency). This sequence change creates a premature translational stop signal (p.Ala1421Phefs*33) in the ATM gene. It is expected to result in an absent or disrupted protein product. Loss-of-function variants in ATM are known to be pathogenic (PMID: 23807571, 25614872). This variant has not been reported in the literature in individuals affected with ATM-related conditions. For these reasons, this variant has been classified as Pathogenic. ClinVar contains an entry for this variant (Variation ID: 824725).

Color Diagnostics, LLC DBA Color Health
Classification: Pathogenic for Hereditary cancer-predisposing syndrome. Last evaluated: 2021-12-07. Review status: criteria provided, single submitter. Criteria: ACMG Guidelines, 2015. Collection method: clinical testing. Allele origin: germline.
Comment: This variant inserts 8 nucleotides in exon 29 of the ATM gene, creating a frameshift and premature translation stop signal. This variant is expected to result in an absent or non-functional protein product. To our knowledge, this variant has not been reported in individuals affected with hereditary cancer in the literature. This variant has not been identified in the general population by the Genome Aggregation Database (gnomAD). Loss of ATM function is a known mechanism of disease. Based on the available evidence, this variant is classified as Pathogenic.

Literature cited by the submitters: PubMed 23807571 (cited by Labcorp Genetics (formerly Invitae), Labcorp); PubMed 25614872 (cited by Labcorp Genetics (formerly Invitae), Labcorp).